The following is an entry in ClinVar:

ClinVar aggregate classification (germline): Conflicting classifications of pathogenicity; other. Review status: criteria provided, conflicting classifications (1 of 4 stars). 60 submissions from 58 submitters: Pathogenic (41); Likely pathogenic (2); Pathogenic, low penetrance (1); Uncertain significance (2). 13 of the submissions do not count toward it. Last evaluated 2026-08-06.

Conditions:
Bronze diabetes. Identifiers: Orphanet 220489, MedGen C6022505.
Hemochromatosis type 1 (HFE1). Also called: HFE-Related Hemochromatosis; HFE-Associated Hereditary Hemochromatosis. Identifiers: Orphanet 465508, MedGen C3469186, MONDO:0021001, OMIM 235200. Disease mechanism: loss of function.
Neuroendocrine neoplasm. Identifiers: Orphanet 877, MedGen C0206754, MONDO:0019496, HP:0100634, MeSH D018358.
Microvascular complications of diabetes, susceptibility to, 7. Identifiers: MedGen C2673520, MONDO:0012971, OMIM 612635.
Alzheimer disease. Also called: Alzheimer's disease; Presenile and senile dementia. Identifiers: Orphanet 1020, MedGen C0002395, MeSH D000544, MONDO:0004975, HP:0002511.
Familial porphyria cutanea tarda (PCT). Also called: PCT, ''FAMILIAL'' TYPE; PCT, TYPE II; PORPHYRIA CUTANEA TARDA, TYPE II; PORPHYRIA, HEPATOCUTANEOUS TYPE; UROD DEFICIENCY; UROPORPHYRINOGEN DECARBOXYLASE DEFICIENCY. Identifiers: Orphanet 101330, Orphanet 443062, MedGen C0268323, MONDO:0008296, OMIM 176100.
TRANSFERRIN SERUM LEVEL QUANTITATIVE TRAIT LOCUS 2 (TFQTL2). Identifiers: MedGen C3280096, OMIM 614193.
Variegate porphyria (VP). Also called: PPOX DEFICIENCY; PORPHYRIA, SOUTH AFRICAN TYPE; PROTOPORPHYRINOGEN OXIDASE DEFICIENCY. Identifiers: Orphanet 79473, MedGen C0162532, MONDO:0008297, OMIM 176200.
Hereditary hemochromatosis (HFE). Identifiers: MedGen C0392514, MONDO:0006507. Disease mechanism: loss of function.
Cardiomyopathy (CMYO). Also called: Cardiomyopathies. Identifiers: Orphanet 167848, MedGen C0878544, MONDO:0004994, HP:0001638. Inheritance: Various modes of inheritance.
Cystic fibrosis (CF). Also called: MUCOVISCIDOSIS. Identifiers: Orphanet 586, MedGen C0010674, MONDO:0009061, OMIM 219700. Disease mechanism: loss of function.

Allele frequency attached by ClinVar (database versions not stated): 1000 Genomes Project 30x 0.07386; TOPMed 0.10048; gnomAD 0.10129 and 0.10170; gnomAD exomes 0.10924 and 0.13556; 1000 Genomes Project 0.07308; ExAC 0.10660.
gnomAD v4.1: 212,957 of 1,613,898 alleles (13%); highest among the groups gnomAD compares: Non-Finnish European, 15%; 15,277 homozygotes.

Submissions 1 to 14 of 60:

Institute of Human Genetics, University of Leipzig Medical Center
Classification: Likely pathogenic for Hemochromatosis type 1. Last evaluated: 2026-08-06. Review status: criteria provided, single submitter. Criteria: ACMG Guidelines, 2015. Collection method: clinical testing. Allele origin: unknown. Inheritance: Autosomal recessive inheritance. Affected: yes.
Comment: Criteria applied: PS3,PM3_STR,PP4

OLLIN Analises Genomicas, OLLIN
Classification: Pathogenic for Hemochromatosis type 1. Last evaluated: 2026-02-13. Review status: criteria provided, single submitter. Criteria: ACMG Guidelines 2015 PMID 25741868. Collection method: clinical testing. Allele origin: germline. Observed: 1 variant allele.
Comment: PS3, PS4, PM3

Labcorp Genetics (formerly Invitae), Labcorp
Classification: Pathogenic, low penetrance for Hereditary hemochromatosis. Last evaluated: 2026-02-03. Review status: criteria provided, single submitter. Criteria: Invitae Variant Classification Sherloc (09022015). Collection method: clinical testing. Allele origin: germline.
Comment: This sequence change replaces histidine, which is basic and polar, with aspartic acid, which is acidic and polar, at codon 63 of the HFE protein (p.His63Asp). This variant is present in population databases (rs1799945, gnomAD 14%), and has an allele count higher than expected for a pathogenic variant. This is a very common, low penetrance variant that is known to contribute to hemochromatosis when present with a second pathogenic allele in HFE. An estimated 1.5% of individuals of European descent who are affected with hemochromatosis are homozygous for this variant (PMID: 11479183), however, penetrance of the homozygous genotype is very low and is associated with variable phenotypes (PMID: 24729993, 11399207, 16132052, 11358905). ClinVar contains an entry for this variant (Variation ID: 10). Invitae Evidence Modeling of protein sequence and biophysical properties (such as structural, functional, and spatial information, amino acid conservation, physicochemical variation, residue mobility, and thermodynamic stability) has been performed for this missense variant. However, the output from this modeling did not meet the statistical confidence thresholds required to predict the impact of this variant on HFE protein function. Experimental studies have shown that this missense change affects HFE function (PMID: 9162021, 9356458, 12429850, 14673107). In summary, this variant is reported to cause disease. However, as this variant is associated with a lower penetrance than other pathogenic alleles in the HFE gene, it has been classified as Pathogenic (low penetrance).

Center for Genomic Medicine, Rigshospitalet, Copenhagen University Hospital
Classification: Pathogenic. Last evaluated: 2025-12-29. Review status: criteria provided, single submitter. Criteria: ACMG Guidelines, 2015. Collection method: clinical testing. Allele origin: germline.

3billion
Classification: Pathogenic for Hemochromatosis type 1. Last evaluated: 2025-10-20. Review status: criteria provided, single submitter. Criteria: ACMG Guidelines, 2015. Collection method: clinical testing. Allele origin: germline. Affected: yes.
Comment: The variant is observed in the gnomAD v4.1.0 dataset (total allele frequency: 13.195%). Predicted Consequence/Location: Missense variant. The majority of the known disease-causing variants of this gene are variants expected to result in premature termination of the protein. Functional studies provide strong evidence of the variant having a damaging effect on the gene or gene product (PMID: 12429850, 14673107, 9162021, 9356458). The same nucleotide change resulting in the same amino acid change has been previously reported as pathogenic/likely pathogenic with strong evidence (ClinVar ID: VCV000000010 /3billion dataset). The variant has been reported to be in trans with a pathogenic variant as either compound heterozygous or homozygous in at least 2 similarly affected unrelated individuals (PMID: 24729993, 8696333). Therefore, this variant is classified as Pathogenic according to the recommendation of ACMG/AMP guideline.

Mayo Clinic Laboratories, Mayo Clinic
Classification: Pathogenic. Last evaluated: 2025-06-10. Review status: criteria provided, single submitter. Criteria: ACMG Guidelines, 2015. Collection method: clinical testing. Allele origin: germline. Observed: 133 variant alleles.

Synevo Romania
Classification: Pathogenic for Hemochromatosis type 1. Last evaluated: 2025-05-29. Review status: criteria provided, single submitter. Criteria: ACMG Guidelines, 2015. Collection method: clinical testing. Allele origin: inherited. Inheritance: Autosomal recessive inheritance. Observed: 1 variant allele, 1 heterozygote.
Comment: The HFE:c.187C>G p.(His63Asp) variant is commonly found in homozygous adults with mild plasma Ferritin and Transferrin increase, however the levels observed do not reach hemochromatosis thresholds. This claim is supported by high prevalence in the general population (AF=14% in non-Finnish Europeans, gnomAD v2.1.1 with 1432 homozygotes). Based on this the variant is considered a very low penetrant pathogenic variant.

Laboratory of Genetics, Children's Clinical University Hospital Latvia
Classification: Pathogenic. Last evaluated: 2025-02-16. Review status: criteria provided, single submitter. Criteria: ACMG Guidelines, 2015. Collection method: clinical testing. Allele origin: germline. Affected: yes.

First Genomix Gene Laboratory, Genetic Diagnostics Department
Classification: Pathogenic for Hemochromatosis type 1. Last evaluated: 2025-01-07. Review status: criteria provided, single submitter. Criteria: ACMG Guidelines, 2015. Collection method: clinical testing. Allele origin: germline. Inheritance: Autosomal recessive inheritance. Affected: no. Observed: 1 variant allele.

Department of Human Genetics, Hannover Medical School
Classification: Pathogenic for Hemochromatosis type 1. Last evaluated: 2024-10-21. Review status: criteria provided, single submitter. Criteria: ACMG Guidelines, 2015. Collection method: clinical testing. Allele origin: germline. Affected: yes.

Fulgent Genetics
Classification: Pathogenic for Hemochromatosis type 1. Last evaluated: 2024-04-02. Review status: criteria provided, single submitter. Criteria: ACMG Guidelines, 2015. Collection method: clinical testing. Allele origin: germline.

Genomic Medicine Center of Excellence, King Faisal Specialist Hospital and Research Centre
Classification: Likely pathogenic for Hemochromatosis type 1. Last evaluated: 2024-03-26. Review status: criteria provided, single submitter. Criteria: ACMG Guidelines, 2015. Collection method: clinical testing. Allele origin: germline.

Institute of Immunology and Genetics Kaiserslautern
Classification: Pathogenic for Hemochromatosis type 1. Last evaluated: 2024-03-09. Review status: criteria provided, single submitter. Criteria: ACMG Guidelines, 2015. Collection method: clinical testing. Allele origin: germline.
Comment: ACMG Criteria: PS1, PS3, PP5; Variant was found in heterozygous state

CeGaT Center for Human Genetics Tuebingen
Classification: Pathogenic. Last evaluated: 2024-02-01. Review status: criteria provided, single submitter. Criteria: CeGaT Center For Human Genetics Tuebingen Variant Classification Criteria Version 2. Collection method: clinical testing. Allele origin: germline. Affected: yes. Observed: 118 variant alleles.
Comment: HFE: PM3:Strong, PM1, PP4:Moderate, PS3:Moderate, PM2:Supporting

NM_000410.4(HFE):c.187C>G (p.His63Asp)

Genes: HFE (homeostatic iron regulator; plus strand), HFE-AS1 (HFE antisense RNA 1; minus strand). Cytogenetic location: 6p22.2.
Variant type: single nucleotide variant.
Coding change: c.187C>G on transcript NM_000410.4 (MANE Select); coding-DNA position 187, C replaced by G.
Protein change: p.His63Asp; replaces histidine 63 with aspartic acid.
Molecular consequence: missense variant. On other transcripts: non-coding transcript variant (1), intron variant (4).
Genome position (GRCh38, 1-based): chr6:26,090,951, C>G. VCF-style: chr6-26090951-C-G. GRCh37 (hg19) VCF-style: chr6-26091179-C-G.
Other names: p.(His63Asp); c.187C>G, p.His63Asp (NM_001300749.3, NM_001384164.1, NM_001406751.1 and 3 more transcripts); c.118C>G, p.His40Asp (NM_139009.3); c.77-363C>G (NM_139007.3, NM_139008.3); c.77-1734C>G (NM_139010.3); c.77-2168C>G (NM_139011.3); short protein forms H63D, H40D.
Identifiers: ClinVar variation 10 (VCV000000010.143), dbSNP rs1799945, ClinGen allele CA113797.
Genomic context (GRCh38, chr6:26,090,951, plus strand): 5'-GGTCTTTCCTTGTTTGAAGCTTTGGGCTACGTGGATGACCAGCTGTTCGTGTTCTATGAT[C>G]ATGAGAGTCGCCGTGTGGAGCCCCGAACTCCATGGGTTTCCAGTAGAATTTCAAGCCAGA-3'
Protein context (NP_000401.1, residues 53-73): VDDQLFVFYD[His63Asp]ESRRVEPRTP